The following is an entry in ClinVar:

ClinVar aggregate classification (germline): Pathogenic/Likely pathogenic. Review status: criteria provided, multiple submitters, no conflicts (2 of 4 stars). 5 submissions from 5 submitters: Pathogenic (3); Likely pathogenic (2). Last evaluated 2026-03-10.

Conditions:
Fetal anomalies with a likely genetic cause.
Mitochondrial DNA depletion syndrome. Also called: mitochondrial DNA depletion. Identifiers: Orphanet 35698, MedGen C0342782, MONDO:0018158.
Mitochondrial disease. Also called: Mitochondrial disorder; Mitochondrial disorders. Identifiers: Orphanet 68380, MedGen C0751651, MeSH D028361, MONDO:0044970.

Allele frequency attached by ClinVar (database versions not stated): TOPMed 0.00003; gnomAD exomes 0.00001 and 0.00002; gnomAD 0.00003; 1000 Genomes Project 0.00020; ExAC 0.00002; 1000 Genomes Project 30x 0.00016.
gnomAD v4.1: 25 of 1,612,962 alleles (0.0015%); highest among the groups gnomAD compares: Non-Finnish European, 0.002%; no homozygotes.

Submissions (5):

Genetics Laboratory, Great Ormond Street Hospital NHS Foundation Trust, North Thames Genomic Laboratory Hub
Classification: Pathogenic for Fetal anomalies with a likely genetic cause. Last evaluated: 2026-03-10. Review status: criteria provided, single submitter. Criteria: ACGS Best Practice Guidelines for Variant Classification in Rare Disease 2024 v1.2. Collection method: clinical testing. Allele origin: germline. Affected: yes.
Comment: PM2_moderate, PVS1_very-strong

Labcorp Genetics (formerly Invitae), Labcorp
Classification: Likely pathogenic. Last evaluated: 2026-01-19. Review status: criteria provided, single submitter. Criteria: Invitae Variant Classification Sherloc (09022015). Collection method: clinical testing. Allele origin: germline.
Comment: This sequence change affects a donor splice site in intron 2 of the TK2 gene. It is expected to disrupt RNA splicing. Variants that disrupt the donor or acceptor splice site typically lead to a loss of protein function (PMID: 16199547), and loss-of-function variants in TK2 are known to be pathogenic (PMID: 20421844). This variant is present in population databases (rs281865499, gnomAD 0.004%). Disruption of this splice site has been observed in individual(s) with mitochondrial DNA depletion syndrome (PMID: 19748572). This variant is also known as c.282+2T>C. ClinVar contains an entry for this variant (Variation ID: 38977). Algorithms developed to predict the effect of sequence changes on RNA splicing suggest that this variant may disrupt the consensus splice site. In summary, the currently available evidence indicates that the variant is pathogenic, but additional data are needed to prove that conclusively. Therefore, this variant has been classified as Likely Pathogenic.

Genomenon, Inc
Classification: Pathogenic for Mitochondrial disease. Last evaluated: 2025-11-24. Review status: criteria provided, single submitter. Criteria: Genomenon Sequence Variant Interpretation Standards - Updated. Collection method: curation. Allele origin: germline. Affected: yes.
Comment: TK2 c.156+2T>C is a canonical splice variant located in the donor splice region of intron 2. It is predicted to affect mRNA splicing, leading to a deleterious effect on the TK2 protein. It is also described as c.282+2T>C in the literature. This variant has been observed in at least one proband affected with mitochondrial disease in the compound heterozygous state and segregated with disease in at least one family (32654952, 38703036). This variant is not present at a significant frequency in gnomAD. In conclusion, we classify TK2 c.156+2T>C as a pathogenic variant.

GeneDx
Classification: Pathogenic. Last evaluated: 2024-12-04. Review status: criteria provided, single submitter. Criteria: GeneDx Variant Classification Process June 2021. Collection method: clinical testing. Allele origin: germline. Affected: yes.
Comment: Previously reported as pathogenic variant; no clinical or segregation information was reported (PMID: 19748572); Canonical splice site variant predicted to result in a null allele in a gene for which loss of function is a known mechanism of disease; Not observed at significant frequency in large population cohorts (gnomAD); Also known as c.282+2T>C; This variant is associated with the following publications: (PMID: 25525159, 19748572)

Women's Health and Genetics/Laboratory Corporation of America, LabCorp
Classification: Likely pathogenic for Mitochondrial DNA depletion syndrome. Last evaluated: 2023-12-13. Review status: criteria provided, single submitter. Criteria: LabCorp Variant Classification Summary - May 2015. Collection method: clinical testing. Allele origin: germline.
Comment: Variant summary: TK2 c.156+2T>C is located in a canonical splice-site and is predicted to affect mRNA splicing resulting in a significantly altered protein due to either exon skipping, shortening, or inclusion of intronic material. Several computational tools predict a significant impact on normal splicing: Three predict the variant abolishes the 5' canonical splicing donor site. One predict the variant no significant impact on splicing. However, these predictions have yet to be confirmed by functional studies. The variant allele was found at a frequency of 1.6e-05 in 251356 control chromosomes. c.156+2T>C has been reported in the literature in unspecified individual(s) affected with Mitochondrial DNA Depletion Syndrome - TK2 Related (example, Poulton_2009). Detailed individual information was not however provided for an independent analysis. To our knowledge, no experimental evidence demonstrating an impact on protein function has been reported. The following publication have been ascertained in the context of this evaluation (PMID: 19748572). Two submitters have cited clinical-significance assessments for this variant to ClinVar after 2014. Both submitters classified the variant as pathogenic/likely pathogenic. Based on the evidence outlined above, the variant was classified as likely pathogenic.

Literature cited by the submitters: PubMed 16199547 (cited by Labcorp Genetics (formerly Invitae), Labcorp); PubMed 20421844 (cited by Labcorp Genetics (formerly Invitae), Labcorp); PubMed 19748572 (cited by Labcorp Genetics (formerly Invitae), Labcorp and Women's Health and Genetics/Laboratory Corporation of America, LabCorp); PubMed 32654952 (cited by Genomenon, Inc); PubMed 38703036 (cited by Genomenon, Inc).

NM_004614.5(TK2):c.156+2T>C

Gene: TK2 (thymidine kinase 2; minus strand). Cytogenetic location: 16q21.
Variant type: single nucleotide variant.
Coding change: c.156+2T>C on transcript NM_004614.5 (MANE Select); the canonical splice donor site of the intron after coding-DNA position 156, T replaced by C.
Molecular consequence: splice donor variant.
Genome position (GRCh38, 1-based): chr16:66,548,976, A>G on the plus strand (T>C on the coding strand, the complement: TK2 is on the minus strand). VCF-style: chr16-66548976-A-G. GRCh37 (hg19) VCF-style: chr16-66582879-A-G.
Other names: c.63+2T>C (NM_001271935.1, NM_001172643.1); c.156+2T>C (NM_001172644.2, NM_001172645.2); c.-87+2T>C (NM_001271934.2); c.-136+2T>C (NM_001272050.2).
Identifiers: ClinVar variation 38977 (VCV000038977.15), dbSNP rs281865499, ClinGen allele CA343290.